The following is an entry in ClinVar:

NM_004260.4(RECQL4):c.1664C>T (p.Ser555Leu)

Gene: RECQL4 (RecQ like helicase 4; minus strand). Cytogenetic location: 8q24.3.
Variant type: single nucleotide variant.
Coding change: c.1664C>T on transcript NM_004260.4 (MANE Select); coding-DNA position 1664, C replaced by T.
Protein change: p.Ser555Leu; replaces serine 555 with leucine.
Molecular consequence: missense variant.
Genome position (GRCh38, 1-based): chr8:144,514,482, G>A on the plus strand (C>T on the coding strand, the complement: RECQL4 is on the minus strand). VCF-style: chr8-144514482-G-A. GRCh37 (hg19) VCF-style: chr8-145739866-G-A.
Other names: short protein forms S555L.
Identifiers: ClinVar variation 529024 (VCV000529024.6), dbSNP rs755425093, ClinGen allele CA4948721.

ClinVar aggregate classification (germline): Uncertain significance (1 of 4 stars; one submission).

Conditions:
Baller-Gerold syndrome (BGS). Also called: CRANIOSYNOSTOSIS WITH RADIAL DEFECTS. Identifiers: Orphanet 1225, MedGen C0265308, MONDO:0009039, OMIM 218600.

Allele frequency attached by ClinVar (database versions not stated): ExAC 0.00001; gnomAD exomes 0.00001; gnomAD 0.00002; TOPMed 0.00006.
gnomAD v4.1: 19 of 1,612,206 alleles (0.0012%); highest among the groups gnomAD compares: Admixed American, 0.0033%; no homozygotes.

Submission:

Labcorp Genetics (formerly Invitae), Labcorp
Classification: Uncertain significance for Baller-Gerold syndrome. Last evaluated: 2025-07-14. Review status: criteria provided, single submitter. Criteria: Invitae Variant Classification Sherloc (09022015). Collection method: clinical testing. Allele origin: germline.
Comment: This sequence change replaces serine, which is neutral and polar, with leucine, which is neutral and non-polar, at codon 555 of the RECQL4 protein (p.Ser555Leu). The frequency data for this variant in the population databases is considered unreliable, as metrics indicate poor data quality at this position in the gnomAD database. This variant has not been reported in the literature in individuals affected with RECQL4-related conditions. ClinVar contains an entry for this variant (Variation ID: 529024). Invitae Evidence Modeling of protein sequence and biophysical properties (such as structural, functional, and spatial information, amino acid conservation, physicochemical variation, residue mobility, and thermodynamic stability) indicates that this missense variant is expected to disrupt RECQL4 protein function with a positive predictive value of 80%. In summary, the available evidence is currently insufficient to determine the role of this variant in disease. Therefore, it has been classified as a Variant of Uncertain Significance.